The following is an entry in ClinVar:

ClinVar aggregate classification (germline): Uncertain significance (1 of 4 stars; one submission).

Conditions:
Catecholaminergic polymorphic ventricular tachycardia (CVPT). Also called: Catecholamine-induced polymorphic ventricular tachycardia. Identifiers: Orphanet 3286, MedGen C5574922, MONDO:0017990.

Submission:

Labcorp Genetics (formerly Invitae), Labcorp
Classification: Uncertain significance for Catecholaminergic polymorphic ventricular tachycardia 1. Last evaluated: 2017-06-07. Review status: criteria provided, single submitter. Criteria: Invitae Variant Classification Sherloc (09022015). Collection method: clinical testing. Allele origin: germline.
Comment: This variant is a gross deletion of the genomic region encompassing exons 88-105 of the RYR2 gene. The 5' boundary is likely confined to intron 87. The 3' end of this event is unknown as it extends through the termination codon beyond the assayed region for this gene and may encompass additional genes. While this deletion is not anticipated to result in nonsense mediated decay, it is expected to create a truncated protein product or disrupt mRNA translation. This variant has not been reported in the literature in individuals with a RYR2-related disease. Experimental studies and prediction algorithms are not available for this variant, and the functional significance of the deleted amino acids is currently unknown. The current clinical and genetic evidence is not sufficient to establish whether loss-of-function variants in RYR2 cause disease. In summary, this variant has uncertain impact on RYR2 function. The available evidence is currently insufficient to determine its role in disease. Therefore, it has been classified as a Variant of Uncertain Significance.

NC_000001.10:g.(?_237941946)_(237995967_?)del

Gene: RYR2 (ryanodine receptor 2; plus strand). Cytogenetic location: 1q43.
Variant type: Deletion.
Identifiers: ClinVar variation 463536 (VCV000463536.2).